The following is an entry in ClinVar:

NM_003611.3(OFD1):c.1540G>A (p.Glu514Lys)

Gene: OFD1 (OFD1 centriole and centriolar satellite protein; plus strand). Cytogenetic location: Xp22.2.
Variant type: single nucleotide variant.
Coding change: c.1540G>A on transcript NM_003611.3 (MANE Select); coding-DNA position 1540, G replaced by A.
Protein change: p.Glu514Lys; replaces glutamic acid 514 with lysine.
Molecular consequence: missense variant.
Genome position (GRCh38, 1-based): chrX:13,757,788, G>A. VCF-style: chrX-13757788-G-A. GRCh37 (hg19) VCF-style: chrX-13775907-G-A.
Other names: c.1540G>A (NM_003611.2); c.1420G>A, p.Glu474Lys (NM_001330209.2); c.1120G>A, p.Glu374Lys (NM_001330210.2); short protein forms E374K, E474K, E514K.
Identifiers: ClinVar variation 3753122 (VCV003753122.3).

ClinVar aggregate classification (germline): Conflicting classifications of pathogenicity. Review status: criteria provided, conflicting classifications (1 of 4 stars). 2 submissions from 2 submitters: Uncertain significance (1); Likely benign (1). Last evaluated 2025-04-06.

Conditions:
Primary ciliary dyskinesia. Also called: Ciliary dyskinesia. Identifiers: Orphanet 244, MedGen C0008780, MONDO:0016575, HP:0012265.
Joubert syndrome. Also called: JOUBERT-BOLTSHAUSER SYNDROME; Familial aplasia of the vermis. Identifiers: Orphanet 475, MedGen C5979921, MONDO:0018772.
Orofaciodigital syndrome I (OFD1). Also called: OFDS I; Papillon-Leage and Psaume Syndrome; Oral-Facial-Digital Syndrome Type I. Identifiers: Orphanet 2750, MedGen C1510460, MONDO:0010702, OMIM 311200.

gnomAD v4.1: 5 of 1,208,638 alleles (0.00041%); highest among the groups gnomAD compares: East Asian, 0.0089%; no homozygotes.

Submissions (2):

Ambry Genetics
Classification: Likely benign for Primary ciliary dyskinesia. Last evaluated: 2025-04-06. Review status: criteria provided, single submitter. Criteria: Ambry Variant Classification Scheme 2023. Collection method: clinical testing. Allele origin: germline.

Labcorp Genetics (formerly Invitae), Labcorp
Classification: Uncertain significance for Orofaciodigital syndrome I; Joubert syndrome. Last evaluated: 2024-09-22. Review status: criteria provided, single submitter. Criteria: Invitae Variant Classification Sherloc (09022015). Collection method: clinical testing. Allele origin: germline.
Comment: This sequence change replaces glutamic acid, which is acidic and polar, with lysine, which is basic and polar, at codon 514 of the OFD1 protein (p.Glu514Lys). This variant is present in population databases (rs777136773, gnomAD 0.02%). This variant has not been reported in the literature in individuals affected with OFD1-related conditions. An algorithm developed to predict the effect of missense changes on protein structure and function (PolyPhen-2) suggests that this variant is likely to be disruptive. In summary, the available evidence is currently insufficient to determine the role of this variant in disease. Therefore, it has been classified as a Variant of Uncertain Significance.